The following is an entry in ClinVar:

ClinVar aggregate classification (germline): Uncertain significance (1 of 4 stars; one submission).

Conditions:
Inborn genetic diseases. Identifiers: MedGen C0950123, MeSH D030342.

Allele frequency attached by ClinVar (database versions not stated): gnomAD exomes below 0.00001.
gnomAD v4.1: 1 of 1,611,380 alleles (0.000062%); highest among the groups gnomAD compares: Non-Finnish European, 0.000085%; no homozygotes.

Submission:

Ambry Genetics
Classification: Uncertain significance for Inborn genetic diseases. Last evaluated: 2022-05-20. Review status: criteria provided, single submitter. Criteria: Ambry Variant Classification Scheme 2023. Collection method: clinical testing. Allele origin: germline.
Comment: The p.R453S variant (also known as c.1359A>T), located in coding exon 9 of the MIB1 gene, results from an A to T substitution at nucleotide position 1359. The arginine at codon 453 is replaced by serine, an amino acid with dissimilar properties. This amino acid position is conserved. In addition, the in silico prediction for this alteration is inconclusive. Since supporting evidence is limited at this time, the clinical significance of this alteration remains unclear.

NM_020774.4(MIB1):c.1359A>T (p.Arg453Ser)

Gene: MIB1 (MIB E3 ubiquitin protein ligase 1; plus strand). Cytogenetic location: 18q11.2.
Variant type: single nucleotide variant.
Coding change: c.1359A>T on transcript NM_020774.4 (MANE Select); coding-DNA position 1359, A replaced by T.
Protein change: p.Arg453Ser; replaces arginine 453 with serine.
Molecular consequence: missense variant.
Genome position (GRCh38, 1-based): chr18:21,799,962, A>T. VCF-style: chr18-21799962-A-T. GRCh37 (hg19) VCF-style: chr18-19379923-A-T.
Other names: short protein forms R453S.
Identifiers: ClinVar variation 1770759 (VCV001770759.2), dbSNP rs1180325578, ClinGen allele CA401753320.